The following is an entry in ClinVar:

ClinVar aggregate classification (germline): Uncertain significance. Review status: criteria provided, multiple submitters, no conflicts (2 of 4 stars). 6 submissions from 6 submitters: Uncertain significance (5). 1 of the submissions does not count toward it. Last evaluated 2026-01-07.

Conditions:
Corneal dystrophy. Identifiers: Orphanet 34533, MedGen C0010036, MONDO:0018102, HP:0001131.
Corneal dystrophy-perceptive deafness syndrome (CDPD). Also called: CORNEAL DYSTROPHY AND SENSORINEURAL DEAFNESS; HARBOYAN SYNDROME. Identifiers: Orphanet 1490, MedGen C1857572, MONDO:0009015, OMIM 217400.
Corneal dystrophy, Fuchs endothelial, 4 (FECD4). Identifiers: Orphanet 98974, MedGen C2750450, MONDO:0013204, OMIM 613268.
Congenital hereditary endothelial dystrophy of cornea. Also called: CORNEAL DYSTROPHY, CONGENITAL HEREDITARY ENDOTHELIAL; Congenital hereditary endothelial dystrophy of the cornea; Maumenee corneal dystrophy; Corneal endothelial dystrophy, autosomal recessive; Congenital hereditary endothelial dystrophy type II. Identifiers: Orphanet 293603, MedGen C1857569, MONDO:0009019, OMIM 217700.
SLC4A11-related disorder. Also called: SLC4A11-related condition.

Allele frequency attached by ClinVar (database versions not stated): TOPMed 0.00028; ExAC 0.00029; 1000 Genomes Project 30x 0.00016; 1000 Genomes Project 0.00020; gnomAD 0.00027 and 0.00029; gnomAD exomes 0.00032 and 0.00046; ESP Exome Variant Server 0.00046.

Submissions (6):

PreventionGenetics, part of Exact Sciences
Classification: Uncertain significance for SLC4A11-related condition. Last evaluated: 2026-01-07. Review status: criteria provided, single submitter. Criteria: ACMG Guidelines, 2015. Collection method: clinical testing. Allele origin: germline.
Comment: The SLC4A11 c.2224G>A variant is predicted to result in the amino acid substitution p.Gly742Arg. This variant has been reported in the heterozygous state in several members of a single family with Fuchs endothelial corneal dystrophy (FECD) (Riazuddin et al. 2010. PubMed ID: 20848555). In vitro studies are either inconclusive or provide conflicting results regarding whether this variant has a physiologically meaningful impact on protein maturation, localization, or function (Alka and Casey 2018. PubMed ID: 29327391; Chung et al. 2024. PubMed ID: 38252645). This variant is reported in 0.048% of alleles in individuals of Latino descent in gnomAD. At this time, the clinical significance of this variant is uncertain due to the absence of conclusive functional and genetic evidence.

Women's Health and Genetics/Laboratory Corporation of America, LabCorp
Classification: Uncertain significance. Last evaluated: 2024-10-14. Review status: criteria provided, single submitter. Criteria: LabCorp Variant Classification Summary - May 2015. Collection method: clinical testing. Allele origin: germline.
Comment: Variant summary: SLC4A11 c.2224G>A (p.Gly742Arg) results in a non-conservative amino acid change located in the Bicarbonate transporter-like, transmembrane domain (IPR011531) of the encoded protein sequence. Five of five in-silico tools predict a damaging effect of the variant on protein function. The variant allele was found at a frequency of 0.00032 in 250700 control chromosomes. This frequency is not significantly higher than estimated for a pathogenic variant in SLC4A11 causing Corneal Dystrophy And Perceptive Deafness (0.00032 vs 0.0011), allowing no conclusion about variant significance. c.2224G>A has been reported in the literature in the heterozygous state in multiple individuals affected with late onset Fuchs corneal dystrophy (example, Riazuddin_2010). These report(s) do not provide unequivocal conclusions about association of the variant with Corneal Dystrophy And Perceptive Deafness. At least one publication reports experimental evidence evaluating an impact on protein function. The most pronounced variant effect results in >50%-90% of normal cell culture density, however protein maturation and cell surface expression were only mildly affected, and localization results were conflicting (example, Alka_2018, Chung_2024, Riazuddin_2010). The following publications have been ascertained in the context of this evaluation (PMID: 29327391, 38252645, 20848555). ClinVar contains an entry for this variant (Variation ID: 805462). Based on the evidence outlined above, the variant was classified as uncertain significance.

Fulgent Genetics
Classification: Uncertain significance for Corneal dystrophy-perceptive deafness syndrome; Congenital hereditary endothelial dystrophy of cornea; Corneal dystrophy, Fuchs endothelial, 4. Last evaluated: 2022-04-25. Review status: criteria provided, single submitter. Criteria: ACMG Guidelines, 2015. Collection method: clinical testing. Allele origin: unknown.

Athena Diagnostics
Classification: Uncertain significance. Last evaluated: 2018-10-09. Review status: criteria provided, single submitter. Criteria: Athena Diagnostics Criteria. Collection method: clinical testing. Allele origin: germline.

Illumina Laboratory Services, Illumina
Classification: Uncertain significance for Corneal dystrophy. Last evaluated: 2017-04-27. Review status: criteria provided, single submitter. Criteria: ICSL Variant Classification Criteria 13 December 2019. Collection method: clinical testing. Allele origin: germline.

Natera, Inc.
Classification: Uncertain significance for Harboyan syndrome. Last evaluated: 2020-09-16. Review status: no assertion criteria provided. Collection method: clinical testing. Allele origin: germline. Not counted in ClinVar's aggregate classification.

Literature cited by the submitters: PubMed 29327391 (cited by Women's Health and Genetics/Laboratory Corporation of America, LabCorp); PubMed 20848555 (cited by Women's Health and Genetics/Laboratory Corporation of America, LabCorp); PubMed 38252645 (cited by Women's Health and Genetics/Laboratory Corporation of America, LabCorp).

NM_001174089.2(SLC4A11):c.2176G>A (p.Gly726Arg)

Gene: SLC4A11 (solute carrier family 4 member 11; minus strand). Cytogenetic location: 20p13.
Variant type: single nucleotide variant.
Coding change: c.2176G>A on transcript NM_001174089.2 (MANE Select); coding-DNA position 2176, G replaced by A.
Protein change: p.Gly726Arg; replaces glycine 726 with arginine.
Molecular consequence: missense variant. On other transcripts: non-coding transcript variant (1).
Genome position (GRCh38, 1-based): chr20:3,228,854, C>T on the plus strand (G>A on the coding strand, the complement: SLC4A11 is on the minus strand). VCF-style: chr20-3228854-C-T. GRCh37 (hg19) VCF-style: chr20-3209500-C-T.
Other names: c.2305G>A, p.Gly769Arg (NM_001174090.2); c.2062G>A, p.Gly688Arg (NM_001363745.2); c.2224G>A, p.Gly742Arg (NM_032034.4); short protein forms G742R, G688R, G726R, G769R.
Identifiers: ClinVar variation 805462 (VCV000805462.9), dbSNP rs143965185, ClinGen allele CA9741568.